The following is an entry in ClinVar:

NM_001201543.2(FAM161A):c.91G>A (p.Glu31Lys)

Genes: FAM161A (FAM161 centrosomal protein A; minus strand), LOC129933843 (ATAC-STARR-seq lymphoblastoid active region 15839; plus strand). Cytogenetic location: 2p15.
Variant type: single nucleotide variant.
Coding change: c.91G>A on transcript NM_001201543.2 (MANE Select); coding-DNA position 91, G replaced by A.
Protein change: p.Glu31Lys; replaces glutamic acid 31 with lysine.
Molecular consequence: missense variant. On other transcripts: non-coding transcript variant (1).
Genome position (GRCh38, 1-based): chr2:61,853,951, C>T on the plus strand (G>A on the coding strand, the complement: FAM161A is on the minus strand). VCF-style: chr2-61853951-C-T. GRCh37 (hg19) VCF-style: chr2-62081086-C-T.
Other names: c.91G>A, p.Glu31Lys (NM_032180.3); short protein forms E31K.
Identifiers: ClinVar variation 1358809 (VCV001358809.5), dbSNP rs955303334, ClinGen allele CA48483859.

ClinVar aggregate classification (germline): Uncertain significance (1 of 4 stars; one submission).

Allele frequency attached by ClinVar (database versions not stated): gnomAD exomes below 0.00001; TOPMed 0.00001.
gnomAD v4.1: 1 of 1,613,906 alleles (0.000062%); highest among the groups gnomAD compares: Admixed American, 0.0017%; no homozygotes.

Submission:

Labcorp Genetics (formerly Invitae), Labcorp
Classification: Uncertain significance. Last evaluated: 2021-10-14. Review status: criteria provided, single submitter. Criteria: Invitae Variant Classification Sherloc (09022015). Collection method: clinical testing. Allele origin: germline.
Comment: This sequence change replaces glutamic acid with lysine at codon 31 of the FAM161A protein (p.Glu31Lys). The glutamic acid residue is weakly conserved and there is a small physicochemical difference between glutamic acid and lysine. This variant is not present in population databases (ExAC no frequency). This variant has not been reported in the literature in individuals affected with FAM161A-related conditions. Algorithms developed to predict the effect of missense changes on protein structure and function output the following: SIFT: "Tolerated"; PolyPhen-2: "Benign"; Align-GVGD: "Class C0". The lysine amino acid residue is found in multiple mammalian species, which suggests that this missense change does not adversely affect protein function. In summary, the available evidence is currently insufficient to determine the role of this variant in disease. Therefore, it has been classified as a Variant of Uncertain Significance.